The following is an entry in ClinVar:

ClinVar aggregate classification (germline): Uncertain significance. Review status: criteria provided, multiple submitters, no conflicts (2 of 4 stars). 2 submissions from 2 submitters: Uncertain significance (2). Last evaluated 2025-12-11.

Conditions:
Autosomal recessive limb-girdle muscular dystrophy type 2W (MDRCMTT). Also called: Muscular dystrophy, autosomal recessive, with cardiomyopathy and triangular tongue; Muscular dystrophy, limb-girdle, type 2W. Identifiers: MedGen C4225192, MONDO:0014788, OMIM 616827.

Submissions (2):

Labcorp Genetics (formerly Invitae), Labcorp
Classification: Uncertain significance for Autosomal recessive limb-girdle muscular dystrophy type 2W. Last evaluated: 2025-12-11. Review status: criteria provided, single submitter. Criteria: Invitae Variant Classification Sherloc (09022015). Collection method: clinical testing. Allele origin: germline.
Comment: This sequence change creates a premature translational stop signal (p.Cys246Profs*39) in the LIMS2 gene. It is expected to result in an absent or disrupted protein product. However, the current clinical and genetic evidence is not sufficient to establish whether loss-of-function variants in LIMS2 cause disease. This variant is present in population databases (rs746910960, gnomAD 0.02%). This variant has not been reported in the literature in individuals affected with LIMS2-related conditions. ClinVar contains an entry for this variant (Variation ID: 847562). In summary, the available evidence is currently insufficient to determine the role of this variant in disease. Therefore, it has been classified as a Variant of Uncertain Significance.

Revvity Omics, Revvity
Classification: Uncertain significance for Autosomal recessive limb-girdle muscular dystrophy type 2W. Last evaluated: 2024-01-23. Review status: criteria provided, single submitter. Criteria: ACMG Guidelines, 2015. Collection method: clinical testing. Allele origin: germline.

NM_001161403.3(LIMS2):c.669_672del (p.Cys224fs)

Gene: LIMS2 (LIM zinc finger domain containing 2; minus strand). Cytogenetic location: 2q14.3.
Variant type: Deletion.
Coding change: c.669_672del on transcript NM_001161403.3 (MANE Select); coding-DNA positions 669 to 672, 4 bases deleted (CTGT; older notation c.669_672delCTGT).
Protein change: p.Cys224fs; shifts the reading frame from cysteine 224.
Molecular consequence: frameshift variant.
Genome position (GRCh38, 1-based): chr2:127,640,977-127,640,980, ACAG deleted on the plus strand (CTGT on the coding strand, the reverse complement: LIMS2 is on the minus strand); deleting any 4 consecutive bases within chr2:127,640,977-127,640,983 gives the same sequence; the c. name uses the placement nearest the transcript's 3' end. VCF-style (leftmost placement, unchanged base first): chr2-127640976-CACAG-C. GRCh37 (hg19) VCF-style: chr2-128398551-CACAG-C.
Other names: c.735_738del, p.Cys246fs (NM_001136037.4); c.654_657del, p.Cys219fs (NM_001161404.2); c.213_216del, p.Cys72fs (NM_001256542.2); c.741_744del, p.Cys248fs (NM_017980.5); c.735_738del (NM_001136037.3); short protein forms C246fs, C224fs, C248fs, C219fs, C72fs.
Identifiers: ClinVar variation 847562 (VCV000847562.10), dbSNP rs746910960, ClinGen allele CA1862928.